The following is an entry in ClinVar:

ClinVar aggregate classification (germline): Benign (1 of 4 stars; one submission).

Allele frequency attached by ClinVar (database versions not stated): 1000 Genomes Project 0.17312; 1000 Genomes Project 30x 0.18036; gnomAD 0.20756 and 0.21493; TOPMed 0.21569.
gnomAD v4.1: 31,559 of 152,152 alleles (21%); highest among the groups gnomAD compares: African/African-American, 33%; 3,874 homozygotes.

Submission:

GeneDx
Classification: Benign. Last evaluated: 2018-06-14. Review status: criteria provided, single submitter. Criteria: GeneDx Variant Classification (06012015). Collection method: clinical testing. Allele origin: germline. Affected: yes.
Comment: This variant is considered likely benign or benign based on one or more of the following criteria: it is a conservative change, it occurs at a poorly conserved position in the protein, it is predicted to be benign by multiple in silico algorithms, and/or has population frequency not consistent with disease.

NM_001130987.2(DYSF):c.460+243G>A

Gene: DYSF (dysferlin; plus strand). Cytogenetic location: 2p13.2.
Variant type: single nucleotide variant.
Coding change: c.460+243G>A on transcript NM_001130987.2 (MANE Select); 243 bases into the intron after coding-DNA position 460, G replaced by A.
Molecular consequence: intron variant.
Genome position (GRCh38, 1-based): chr2:71,512,164, G>A. VCF-style: chr2-71512164-G-A. GRCh37 (hg19) VCF-style: chr2-71739294-G-A.
Other names: c.457+243G>A (NM_001130979.2, NM_001130981.2, NM_001130980.2 and 4 more transcripts); c.460+243G>A (NM_001130982.2, NM_001130985.2, NM_001130983.2 and 3 more transcripts).
Identifiers: ClinVar variation 679368 (VCV000679368.1), dbSNP rs58363669, ClinGen allele CA11228398.